The following is an entry in ClinVar:

NM_000180.4(GUCY2D):c.1865G>T (p.Cys622Phe)

Gene: GUCY2D (guanylate cyclase 2D, retinal; plus strand). Cytogenetic location: 17p13.1.
Variant type: single nucleotide variant.
Coding change: c.1865G>T on transcript NM_000180.4 (MANE Select); coding-DNA position 1865, G replaced by T.
Protein change: p.Cys622Phe; replaces cysteine 622 with phenylalanine.
Molecular consequence: missense variant.
Genome position (GRCh38, 1-based): chr17:8,012,259, G>T. VCF-style: chr17-8012259-G-T. GRCh37 (hg19) VCF-style: chr17-7915577-G-T.
Other names: short protein forms C622F.
Identifiers: ClinVar variation 1949984 (VCV001949984.2), dbSNP rs1189135118, ClinGen allele CA397951619.

ClinVar aggregate classification (germline): Uncertain significance (1 of 4 stars; one submission).

Conditions:
Cone-rod dystrophy 6 (CORD6). Also called: RETINAL CONE DYSTROPHY 2; Cone dystrophy progressive. Identifiers: Orphanet 1872, MedGen C1866293, MONDO:0011143, OMIM 601777.
Leber congenital amaurosis 1 (LCA1). Also called: Congenital absence of the rods and cones; Leber's congenital tapetoretinal degeneration; Leber's congenital tapetoretinal dysplasia; AMAUROSIS CONGENITA OF LEBER I; RETINAL BLINDNESS, CONGENITAL. Identifiers: Orphanet 65, MedGen C2931258, MONDO:0008764, OMIM 204000.

Allele frequency attached by ClinVar (database versions not stated): gnomAD exomes 0.00001.
gnomAD v4.1: 9 of 1,614,044 alleles (0.00056%); highest among the groups gnomAD compares: South Asian, 0.0099%; no homozygotes.

Submission:

Labcorp Genetics (formerly Invitae), Labcorp
Classification: Uncertain significance for Leber congenital amaurosis 1; Cone-rod dystrophy 6. Last evaluated: 2022-03-05. Review status: criteria provided, single submitter. Criteria: Invitae Variant Classification Sherloc (09022015). Collection method: clinical testing. Allele origin: germline.
Comment: This sequence change replaces cysteine, which is neutral and slightly polar, with phenylalanine, which is neutral and non-polar, at codon 622 of the GUCY2D protein (p.Cys622Phe). This variant is present in population databases (no rsID available, gnomAD 0.003%). This variant has not been reported in the literature in individuals affected with GUCY2D-related conditions. Algorithms developed to predict the effect of missense changes on protein structure and function (SIFT, PolyPhen-2, Align-GVGD) all suggest that this variant is likely to be disruptive. In summary, the available evidence is currently insufficient to determine the role of this variant in disease. Therefore, it has been classified as a Variant of Uncertain Significance.